The following is an entry in ClinVar:

ClinVar aggregate classification (germline): Uncertain significance. Review status: criteria provided, multiple submitters, no conflicts (2 of 4 stars). 7 submissions from 5 submitters: Uncertain significance (7). Last evaluated 2024-09-18.

Conditions:
Charcot-Marie-Tooth disease axonal type 2X. Also called: CHARCOT-MARIE-TOOTH DISEASE, AXONAL, AUTOSOMAL RECESSIVE, TYPE 2X; CHARCOT-MARIE-TOOTH NEUROPATHY, TYPE 2X. Identifiers: Orphanet 466775, MedGen C5569024, MONDO:0014726, OMIM 616668.
Amyotrophic lateral sclerosis type 5 (ALS5). Also called: AMYOTROPHIC LATERAL SCLEROSIS 5, JUVENILE. Identifiers: Orphanet 300605, MedGen C1865864, MONDO:0011196, OMIM 602099.
Hereditary spastic paraplegia 11. Also called: SPASTIC PARAPLEGIA, AUTOSOMAL RECESSIVE, COMPLICATED, WITH THIN CORPUS CALLOSUM; SPASTIC PARAPLEGIA, AUTOSOMAL RECESSIVE, WITH MENTAL IMPAIRMENT AND THIN CORPUS CALLOSUM; Spastic paraplegia, mental retardation and thin corpus callosum; Nakamura Osame syndrome; Autosomal recessive hereditary spastic paraplegia, mental impairment, and thin corpus callosum; Spastic Paraplegia 11. Identifiers: Orphanet 2822, MedGen C1858479, MONDO:0011445, OMIM 604360.

Allele frequency attached by ClinVar (database versions not stated): ExAC 0.00002; gnomAD exomes 0.00002; gnomAD 0.00003 and 0.00004; TOPMed 0.00005; ESP Exome Variant Server 0.00015.
gnomAD v4.1: 39 of 1,614,012 alleles (0.0024%); highest among the groups gnomAD compares: African/African-American, 0.004%; no homozygotes.

Submissions (7):

Athena Diagnostics
Classification: Uncertain significance. Last evaluated: 2024-09-18. Review status: criteria provided, single submitter. Criteria: Athena Diagnostics Criteria. Collection method: clinical testing. Allele origin: unknown.
Comment: Available data are insufficient to determine the clinical significance of the variant at this time. The frequency of this variant in the general population is uninformative in assessment of its pathogenicity. Polyphen and MutationTaster predict this amino acid change may be benign.

Labcorp Genetics (formerly Invitae), Labcorp
Classification: Uncertain significance for Hereditary spastic paraplegia 11. Last evaluated: 2022-08-21. Review status: criteria provided, single submitter. Criteria: Invitae Variant Classification Sherloc (09022015). Collection method: clinical testing. Allele origin: germline.
Comment: This sequence change replaces cysteine, which is neutral and slightly polar, with arginine, which is basic and polar, at codon 959 of the SPG11 protein (p.Cys959Arg). This variant is present in population databases (rs375859622, gnomAD 0.007%). This variant has not been reported in the literature in individuals affected with SPG11-related conditions. ClinVar contains an entry for this variant (Variation ID: 656979). Algorithms developed to predict the effect of missense changes on protein structure and function (SIFT, PolyPhen-2, Align-GVGD) all suggest that this variant is likely to be tolerated. In summary, the available evidence is currently insufficient to determine the role of this variant in disease. Therefore, it has been classified as a Variant of Uncertain Significance.

Mayo Clinic Laboratories, Mayo Clinic
Classification: Uncertain significance. Last evaluated: 2019-08-26. Review status: criteria provided, single submitter. Criteria: ACMG Guidelines, 2015. Collection method: clinical testing. Allele origin: germline. Observed: 1 variant allele.

Breakthrough Genomics
Classification: Uncertain significance. Review status: criteria provided, single submitter. Criteria: ACMG Guidelines, 2015. Collection method: not provided. Allele origin: germline. Inheritance: Autosomal recessive inheritance. Affected: yes.

Genome-Nilou Lab
Classification: Uncertain significance for Amyotrophic lateral sclerosis type 5. Review status: criteria provided, single submitter. Criteria: ACMG Guidelines, 2015. Collection method: clinical testing. Allele origin: germline.

Genome-Nilou Lab
Classification: Uncertain significance for Charcot-Marie-Tooth disease axonal type 2X. Review status: criteria provided, single submitter. Criteria: ACMG Guidelines, 2015. Collection method: clinical testing. Allele origin: germline.

Genome-Nilou Lab
Classification: Uncertain significance for Hereditary spastic paraplegia 11. Review status: criteria provided, single submitter. Criteria: ACMG Guidelines, 2015. Collection method: clinical testing. Allele origin: germline.

Literature cited by the submitters: PubMed 39044379 (cited by Athena Diagnostics).

NM_025137.4(SPG11):c.2875T>C (p.Cys959Arg)

Gene: SPG11 (SPG11 vesicle trafficking associated, spatacsin; minus strand). Cytogenetic location: 15q21.1.
Variant type: single nucleotide variant.
Coding change: c.2875T>C on transcript NM_025137.4 (MANE Select); coding-DNA position 2875, T replaced by C.
Protein change: p.Cys959Arg; replaces cysteine 959 with arginine.
Molecular consequence: missense variant.
Genome position (GRCh38, 1-based): chr15:44,615,526, A>G on the plus strand (T>C on the coding strand, the complement: SPG11 is on the minus strand). VCF-style: chr15-44615526-A-G. GRCh37 (hg19) VCF-style: chr15-44907724-A-G.
Other names: c.2875T>C, p.Cys959Arg (NM_001160227.2); short protein forms C959R.
Identifiers: ClinVar variation 656979 (VCV000656979.15), dbSNP rs375859622, ClinGen allele CA7535112.
Genomic context (GRCh38, chr15:44,615,526, plus strand): 5'-TTTGAACAGGGAGGGTATCCTGTATTACACCTCCAATACGGCTCAGTCTTAGGAGGAAGC[A>G]TTCAAAGTCTTCCAGTTCAGATGCCAAAAAAACCCCATTCCTATGGACAGATTTATAGGA-3'
Protein context (NP_079413.3, residues 949-969): FLASELEDFE[Cys959Arg]FLLRLSRIGG